The following is an entry in ClinVar:

ClinVar aggregate classification (germline): Uncertain significance (1 of 4 stars; one submission).

gnomAD v4.1: 3 of 1,614,184 alleles (0.00019%); no homozygotes.

Submission:

Labcorp Genetics (formerly Invitae), Labcorp
Classification: Uncertain significance. Last evaluated: 2025-08-19. Review status: criteria provided, single submitter. Criteria: Invitae Variant Classification Sherloc (09022015). Collection method: clinical testing. Allele origin: germline.
Comment: This sequence change replaces leucine, which is neutral and non-polar, with proline, which is neutral and non-polar, at codon 851 of the POLR1A protein (p.Leu851Pro). This variant is present in population databases (no rsID available, gnomAD 0.01%). This variant has not been reported in the literature in individuals affected with POLR1A-related conditions. Invitae Evidence Modeling of protein sequence and biophysical properties (such as structural, functional, and spatial information, amino acid conservation, physicochemical variation, residue mobility, and thermodynamic stability) indicates that this missense variant is expected to disrupt POLR1A protein function with a positive predictive value of 80%. In summary, the available evidence is currently insufficient to determine the role of this variant in disease. Therefore, it has been classified as a Variant of Uncertain Significance.

NM_015425.6(POLR1A):c.2552T>C (p.Leu851Pro)

Gene: POLR1A (RNA polymerase I subunit A; minus strand). Cytogenetic location: 2p11.2.
Variant type: single nucleotide variant.
Coding change: c.2552T>C on transcript NM_015425.6 (MANE Select); coding-DNA position 2552, T replaced by C.
Protein change: p.Leu851Pro; replaces leucine 851 with proline.
Molecular consequence: missense variant.
Genome position (GRCh38, 1-based): chr2:86,048,966, A>G on the plus strand (T>C on the coding strand, the complement: POLR1A is on the minus strand). VCF-style: chr2-86048966-A-G. GRCh37 (hg19) VCF-style: chr2-86276089-A-G.
Other names: short protein forms L851P.
Identifiers: ClinVar variation 4762189 (VCV004762189.1).